The following is an entry in ClinVar:

NM_032578.4(MYPN):c.3244_3245dup (p.Met1082fs)

Gene: MYPN (myopalladin; plus strand). Cytogenetic location: 10q21.3.
Variant type: Microsatellite.
Coding change: c.3244_3245dup on transcript NM_032578.4 (MANE Select); coding-DNA positions 3244 to 3245, 2 bases duplicated (AT; older notation c.3244_3245dupAT).
Protein change: p.Met1082fs; shifts the reading frame from methionine 1082.
Molecular consequence: frameshift variant. On other transcripts: non-coding transcript variant (2).
Genome position (GRCh38, 1-based): chr10:68,197,437-68,197,438, AT duplicated; duplicating any 2 consecutive bases within chr10:68,197,435-68,197,438 gives the same sequence; the c. name uses the placement nearest the transcript's 3' end. VCF-style (leftmost placement, unchanged base first): chr10-68197434-G-GAT. GRCh37 (hg19) VCF-style: chr10-69957191-G-GAT.
Other names: c.3244_3245dup, p.Met1082fs (NM_001256267.2); c.2362_2363dup, p.Met788fs (NM_001256268.2); short protein forms M1082fs, M788fs.
Identifiers: ClinVar variation 2809474 (VCV002809474.3), dbSNP rs2495951388, ClinGen allele CA2739275722.
Genomic context (GRCh38, chr10:68,197,434, plus strand): 5'-AGAGACAAAGAGCCCCTACAGGAACGCTTTTTCCGACCACATTTCCTGCAGGCTCCTGGG[G>GAT]ATATGGTAGCTCATGAGGGGCGCCTCTGTCGGCTGGACTGTAAGGTAGACTCCAGCACCC-3'

ClinVar aggregate classification (germline): Pathogenic (1 of 4 stars; one submission).

Conditions:
Dilated cardiomyopathy 1KK (CMD1KK). Identifiers: Orphanet 154, Orphanet 75249, MedGen C3714995, MONDO:0014100, OMIM 615248.

Submission:

Labcorp Genetics (formerly Invitae), Labcorp
Classification: Pathogenic for Dilated cardiomyopathy 1KK. Last evaluated: 2022-11-07. Review status: criteria provided, single submitter. Criteria: Invitae Variant Classification Sherloc (09022015). Collection method: clinical testing. Allele origin: germline.
Comment: This sequence change creates a premature translational stop signal (p.Met1082Ilefs*3) in the MYPN gene. It is expected to result in an absent or disrupted protein product. Loss-of-function variants in MYPN are known to be pathogenic (PMID: 28017374). This variant is not present in population databases (gnomAD no frequency). This variant has not been reported in the literature in individuals affected with MYPN-related conditions. For these reasons, this variant has been classified as Pathogenic.

Literature cited by the submitters: PubMed 28017374.